The following is an entry in ClinVar:

ClinVar aggregate classification (germline): Likely benign (1 of 4 stars; one submission).

Submission:

CeGaT Center for Human Genetics Tuebingen
Classification: Likely benign. Last evaluated: 2026-03-01. Review status: criteria provided, single submitter. Criteria: CeGaT Center For Human Genetics Tuebingen Variant Classification Criteria Version 2. Collection method: clinical testing. Allele origin: germline. Affected: yes. Observed: 1 variant allele.
Comment: SALL1: PM2:Supporting, BP4, BP7

NM_002968.3(SALL1):c.2253C>T (p.Thr751=)

Gene: SALL1 (spalt like transcription factor 1; minus strand). Cytogenetic location: 16q12.1.
Variant type: single nucleotide variant.
Coding change: c.2253C>T on transcript NM_002968.3 (MANE Select); coding-DNA position 2253, C replaced by T.
Protein change: p.Thr751=; no amino-acid change (threonine 751 retained).
Molecular consequence: synonymous variant.
Genome position (GRCh38, 1-based): chr16:51,139,969, G>A on the plus strand (C>T on the coding strand, the complement: SALL1 is on the minus strand). VCF-style: chr16-51139969-G-A. GRCh37 (hg19) VCF-style: chr16-51173880-G-A.
Other names: c.1962C>T, p.Thr654= (NM_001127892.2).
Identifiers: ClinVar variation 4823574 (VCV004823574.4).
Genomic context (GRCh38, chr16:51,139,969, plus strand): 5'-GCAGATGGGGCAGGAATGCTGGACTCTGAGCGGGGGCATAGCACGATGGACACTGTAGTG[G>A]GTTTTAAGATTCCCTTTCGTGGTGAAAGCCCGGCCACAGATCTTACACTTAAAGGGCCTC-3'
Protein context (NP_002959.2, residues 741-761): RAFTTKGNLK[Thr751=]HYSVHRAMPP